The following is an entry in ClinVar:

ClinVar aggregate classification (germline): Uncertain significance (1 of 4 stars; one submission).

Conditions:
Inborn genetic diseases. Identifiers: MedGen C0950123, MeSH D030342.

Allele frequency attached by ClinVar (database versions not stated): gnomAD exomes below 0.00001; TOPMed below 0.00001; gnomAD 0.00001.
gnomAD v4.1: 2 of 1,613,594 alleles (0.00012%); highest among the groups gnomAD compares: Non-Finnish European, 0.00017%; no homozygotes.

Submission:

Ambry Genetics
Classification: Uncertain significance for Inborn genetic diseases. Last evaluated: 2023-08-31. Review status: criteria provided, single submitter. Criteria: Ambry Variant Classification Scheme 2023. Collection method: clinical testing. Allele origin: germline.
Comment: The p.Y1242C variant (also known as c.3725A>G), located in coding exon 27 of the LRRK2 gene, results from an A to G substitution at nucleotide position 3725. The tyrosine at codon 1242 is replaced by cysteine, an amino acid with highly dissimilar properties. This amino acid position is conserved. In addition, this alteration is predicted to be tolerated by in silico analysis. Since supporting evidence is limited at this time, the clinical significance of this alteration remains unclear.

NM_198578.4(LRRK2):c.3725A>G (p.Tyr1242Cys)

Gene: LRRK2 (leucine rich repeat kinase 2; plus strand). Cytogenetic location: 12q12.
Variant type: single nucleotide variant.
Coding change: c.3725A>G on transcript NM_198578.4 (MANE Select); coding-DNA position 3725, A replaced by G.
Protein change: p.Tyr1242Cys; replaces tyrosine 1242 with cysteine.
Molecular consequence: missense variant.
Genome position (GRCh38, 1-based): chr12:40,304,082, A>G. VCF-style: chr12-40304082-A-G. GRCh37 (hg19) VCF-style: chr12-40697884-A-G.
Other names: short protein forms Y1242C.
Identifiers: ClinVar variation 2608897 (VCV002608897.2), dbSNP rs1372018111, ClinGen allele CA384416816.